The following is an entry in ClinVar:

ClinVar aggregate classification (germline): Uncertain significance (1 of 4 stars; one submission).

Conditions:
Hypertrophic cardiomyopathy 19. Also called: Familial hypertrophic cardiomyopathy 19. Identifiers: MedGen CN077603, MONDO:0013476.

Allele frequency attached by ClinVar (database versions not stated): TOPMed 0.00002.

Submission:

Labcorp Genetics (formerly Invitae), Labcorp
Classification: Uncertain significance for Hypertrophic cardiomyopathy 19. Last evaluated: 2024-11-09. Review status: criteria provided, single submitter. Criteria: Invitae Variant Classification Sherloc (09022015). Collection method: clinical testing. Allele origin: germline.
Comment: This sequence change affects the initiator methionine of the CALR3 mRNA. The next in-frame methionine is located at codon 13. This variant is not present in population databases (gnomAD no frequency). This variant has not been reported in the literature in individuals affected with CALR3-related conditions. ClinVar contains an entry for this variant (Variation ID: 971950). Experimental studies and prediction algorithms are not available or were not evaluated, and the functional significance of this variant is currently unknown. In summary, the available evidence is currently insufficient to determine the role of this variant in disease. Therefore, it has been classified as a Variant of Uncertain Significance.

NM_145046.5(CALR3):c.1A>T (p.Met1Leu)

Gene: CALR3 (calreticulin 3; minus strand). Cytogenetic location: 19p13.11.
Variant type: single nucleotide variant.
Coding change: c.1A>T on transcript NM_145046.5 (MANE Select); coding-DNA position 1, A replaced by T.
Protein change: p.Met1Leu; changes the start codon (methionine 1).
Molecular consequence: missense variant, initiator codon variant.
Genome position (GRCh38, 1-based): chr19:16,496,129, T>A on the plus strand (A>T on the coding strand, the complement: CALR3 is on the minus strand). VCF-style: chr19-16496129-T-A. GRCh37 (hg19) VCF-style: chr19-16606940-T-A.
Other names: short protein forms M1L.
Identifiers: ClinVar variation 971950 (VCV000971950.11), dbSNP rs776813962, ClinGen allele CA404618040.